The following is an entry in ClinVar:

ClinVar aggregate classification (germline): Uncertain significance. Review status: criteria provided, multiple submitters, no conflicts (2 of 4 stars). 2 submissions from 2 submitters: Uncertain significance (2). Last evaluated 2024-03-27.

Conditions:
Bardet-Biedl syndrome 20. Identifiers: MedGen C4310707, MONDO:0023670, OMIM 619471, MONDO:0014926.
Retinitis pigmentosa 71 (RP71). Identifiers: Orphanet 791, MedGen C4225342, MONDO:0014618, OMIM 616394.
Short-rib thoracic dysplasia 10 with or without polydactyly (SRTD10). Identifiers: Orphanet 474, MedGen C3810175, MONDO:0014284, OMIM 615630.

Submissions (2):

Fulgent Genetics
Classification: Uncertain significance for Short-rib thoracic dysplasia 10 with or without polydactyly; Retinitis pigmentosa 71; Bardet-Biedl syndrome 20. Last evaluated: 2024-03-27. Review status: criteria provided, single submitter. Criteria: ACMG Guidelines, 2015. Collection method: clinical testing. Allele origin: germline.

Labcorp Genetics (formerly Invitae), Labcorp
Classification: Uncertain significance for Retinitis pigmentosa 71; Short-rib thoracic dysplasia 10 with or without polydactyly. Last evaluated: 2021-12-25. Review status: criteria provided, single submitter. Criteria: Invitae Variant Classification Sherloc (09022015). Collection method: clinical testing. Allele origin: germline.
Comment: This sequence change replaces histidine, which is basic and polar, with leucine, which is neutral and non-polar, at codon 46 of the IFT172 protein (p.His46Leu). This variant is present in population databases (no rsID available, gnomAD 0.01%). This variant has not been reported in the literature in individuals affected with IFT172-related conditions. Algorithms developed to predict the effect of missense changes on protein structure and function (SIFT, PolyPhen-2, Align-GVGD) all suggest that this variant is likely to be tolerated. In summary, the available evidence is currently insufficient to determine the role of this variant in disease. Therefore, it has been classified as a Variant of Uncertain Significance.

NM_015662.3(IFT172):c.137A>T (p.His46Leu)

Gene: IFT172 (intraflagellar transport 172; minus strand). Cytogenetic location: 2p23.3.
Variant type: single nucleotide variant.
Coding change: c.137A>T on transcript NM_015662.3 (MANE Select); coding-DNA position 137, A replaced by T.
Protein change: p.His46Leu; replaces histidine 46 with leucine.
Molecular consequence: missense variant.
Genome position (GRCh38, 1-based): chr2:27,485,406, T>A on the plus strand (A>T on the coding strand, the complement: IFT172 is on the minus strand). VCF-style: chr2-27485406-T-A. GRCh37 (hg19) VCF-style: chr2-27708273-T-A.
Other names: c.137A>T, p.His46Leu (NM_001410739.1); short protein forms H46L.
Identifiers: ClinVar variation 1944844 (VCV001944844.5), dbSNP rs1280850403, ClinGen allele CA346403206.